The following is an entry in ClinVar:

NC_000008.10:g.(?_6264189)_(6303088_?)del

Gene: MCPH1 (microcephalin 1; plus strand). Cytogenetic location: 8p23.1.
Variant type: Deletion.
Identifiers: ClinVar variation 3245601 (VCV003245601.1).

ClinVar aggregate classification (germline): Pathogenic (1 of 4 stars; one submission).

Submission:

Labcorp Genetics (formerly Invitae), Labcorp
Classification: Pathogenic. Last evaluated: 2023-05-11. Review status: criteria provided, single submitter. Criteria: Invitae Variant Classification Sherloc (09022015). Collection method: clinical testing. Allele origin: unknown.
Comment: For these reasons, this variant has been classified as Pathogenic. A similar copy number variant has been observed in individual(s) with clinical features of autosomal recessive MCPH1-related conditions (PMID: 28878824). This variant is a gross deletion of the genomic region encompassing exon(s) 1-8 of the MCPH1 gene, which includes the initiator codon. This deletion extends beyond the assayed region for this gene and therefore may encompass additional genes. It is expected to result in an absent or disrupted protein product. Loss-of-function variants in MCPH1 are known to be pathogenic (PMID: 20978018).

Literature cited by the submitters: PubMed 28878824; PubMed 20978018.